The following is an entry in ClinVar:

NM_014251.3(SLC25A13):c.255G>C (p.Leu85=)

Gene: SLC25A13 (solute carrier family 25 member 13; minus strand). Cytogenetic location: 7q21.3.
Variant type: single nucleotide variant.
Coding change: c.255G>C on transcript NM_014251.3 (MANE Select); coding-DNA position 255, G replaced by C.
Protein change: p.Leu85=; no amino-acid change (leucine 85 retained).
Molecular consequence: synonymous variant.
Genome position (GRCh38, 1-based): chr7:96,234,875, C>G on the plus strand (G>C on the coding strand, the complement: SLC25A13 is on the minus strand). VCF-style: chr7-96234875-C-G. GRCh37 (hg19) VCF-style: chr7-95864187-C-G.
Other names: c.255G>C, p.Leu85= (NM_001160210.2); c.255G>C (NM_014251.2).
Identifiers: ClinVar variation 1936322 (VCV001936322.6), dbSNP rs369071668, ClinGen allele CA456547987.

ClinVar aggregate classification (germline): Likely benign. Review status: criteria provided, single submitter (1 of 4 stars). 2 submissions from 2 submitters: Likely benign (1). 1 of the submissions does not count toward it. Last evaluated 2024-01-11.

Conditions:
SLC25A13-related disorder. Also called: SLC25A13-related condition.
Citrin deficiency. Identifiers: Orphanet 247582, MedGen C1997910, MONDO:0016602.

Submissions (2):

Labcorp Genetics (formerly Invitae), Labcorp
Classification: Likely benign for Citrin deficiency. Last evaluated: 2024-01-11. Review status: criteria provided, single submitter. Criteria: Invitae Variant Classification Sherloc (09022015). Collection method: clinical testing. Allele origin: germline.

PreventionGenetics, part of Exact Sciences
Classification: Likely benign for SLC25A13-related condition. Last evaluated: 2024-09-24. Review status: no assertion criteria provided. Collection method: clinical testing. Allele origin: germline. Not counted in ClinVar's aggregate classification.
Comment: This variant is classified as likely benign based on ACMG/AMP sequence variant interpretation guidelines (Richards et al. 2015 PMID: 25741868, with internal and published modifications).